The following is an entry in ClinVar:

NM_001079802.2(FKTN):c.1250A>T (p.Glu417Val)

Gene: FKTN (fukutin; plus strand). Cytogenetic location: 9q31.2.
Variant type: single nucleotide variant.
Coding change: c.1250A>T on transcript NM_001079802.2 (MANE Select); coding-DNA position 1250, A replaced by T.
Protein change: p.Glu417Val; replaces glutamic acid 417 with valine.
Molecular consequence: missense variant. On other transcripts: 3 prime UTR variant (1), non-coding transcript variant (2).
Genome position (GRCh38, 1-based): chr9:105,635,128, A>T. VCF-style: chr9-105635128-A-T. GRCh37 (hg19) VCF-style: chr9-108397409-A-T.
Other names: c.1250A>T, p.Glu417Val (NM_001198963.2, NM_001351496.2, NM_006731.2); c.1181A>T, p.Glu394Val (NM_001351497.2); c.*42A>T (NM_001351498.2); c.854A>T, p.Glu285Val (NM_001351499.2, NM_001351500.2, NM_001351501.2 and 1 more transcripts); short protein forms E417V, E394V, E285V.
Identifiers: ClinVar variation 284792 (VCV000284792.11), dbSNP rs543684877, ClinGen allele CA10604909.

ClinVar aggregate classification (germline): Uncertain significance. Review status: criteria provided, multiple submitters, no conflicts (2 of 4 stars). 3 submissions from 3 submitters: Uncertain significance (3). Last evaluated 2022-08-20.

Conditions:
Cardiovascular phenotype. Identifiers: MedGen CN230736.
Walker-Warburg congenital muscular dystrophy. Also called: Muscular dystrophy-dystroglycanopathy, type A; Walker-Warburg syndrome. Identifiers: Orphanet 899, MedGen C0265221, MONDO:0000171.

Allele frequency attached by ClinVar (database versions not stated): gnomAD exomes 0.00001.
gnomAD v4.1: 16 of 1,614,144 alleles (0.00099%); highest among the groups gnomAD compares: African/African-American, 0.0093%; no homozygotes.

Submissions (3):

Labcorp Genetics (formerly Invitae), Labcorp
Classification: Uncertain significance for Walker-Warburg congenital muscular dystrophy. Last evaluated: 2022-08-20. Review status: criteria provided, single submitter. Criteria: Invitae Variant Classification Sherloc (09022015). Collection method: clinical testing. Allele origin: germline.
Comment: This sequence change replaces glutamic acid, which is acidic and polar, with valine, which is neutral and non-polar, at codon 417 of the FKTN protein (p.Glu417Val). This variant is not present in population databases (gnomAD no frequency). This variant has not been reported in the literature in individuals affected with FKTN-related conditions. ClinVar contains an entry for this variant (Variation ID: 284792). Algorithms developed to predict the effect of missense changes on protein structure and function (SIFT, PolyPhen-2, Align-GVGD) all suggest that this variant is likely to be tolerated. In summary, the available evidence is currently insufficient to determine the role of this variant in disease. Therefore, it has been classified as a Variant of Uncertain Significance.

Ambry Genetics
Classification: Uncertain significance for Cardiovascular phenotype. Last evaluated: 2021-12-24. Review status: criteria provided, single submitter. Criteria: Ambry Variant Classification Scheme 2023. Collection method: clinical testing. Allele origin: germline.
Comment: The p.E417V variant (also known as c.1250A>T), located in coding exon 9 of the FKTN gene, results from an A to T substitution at nucleotide position 1250. The glutamic acid at codon 417 is replaced by valine, an amino acid with dissimilar properties. This amino acid position is conserved. In addition, the in silico prediction for this alteration is inconclusive. Since supporting evidence is limited at this time, the clinical significance of this alteration remains unclear.

Eurofins Ntd Llc (ga)
Classification: Uncertain significance. Last evaluated: 2015-11-13. Review status: criteria provided, single submitter. Criteria: EGL Classification Definitions 2015. Collection method: clinical testing. Allele origin: germline. Observed: 1 variant allele, 1 heterozygote.